The following is an entry in ClinVar:

NM_001134673.4(NFIA):c.1018TCC[1] (p.Ser341del)

Gene: NFIA (nuclear factor I A; plus strand). Cytogenetic location: 1p31.3.
Variant type: Microsatellite.
Coding change: c.1018TCC[1] on transcript NM_001134673.4 (MANE Select); one copy of the 3-base unit TCC starting at c.1018; the reference has two copies in a row; one copy, 3 bases deleted.
Protein change: p.Ser341del; deletes serine 341.
Molecular consequence: inframe deletion.
Genome position (GRCh38, 1-based): chr1:61,383,311-61,383,313, TCC deleted; deleting any 3 consecutive bases within chr1:61,383,306-61,383,313 gives the same sequence; the position shown is the placement nearest the transcript's 3' end. VCF-style (leftmost placement, unchanged base first): chr1-61383305-ACCT-A. GRCh37 (hg19) VCF-style: chr1-61848977-ACCT-A.
Other names: c.994TCC[1], p.Ser333del (NM_001145511.2); c.1153TCC[1], p.Ser386del (NM_001145512.2); c.1018TCC[1], p.Ser341del (NM_005595.5); short protein forms S333del, S341del, S386del.
Identifiers: ClinVar variation 4975447 (VCV004975447.1).

ClinVar aggregate classification (germline): Uncertain significance (1 of 4 stars; one submission).

Submission:

GeneDx
Classification: Uncertain significance. Last evaluated: 2026-01-24. Review status: criteria provided, single submitter. Criteria: GeneDx Variant Classification Process June 2021. Collection method: clinical testing. Allele origin: germline.
Comment: Not observed at significant frequency in large population cohorts (gnomAD); In-frame deletion of 1 amino acid(s) in a non-repeat region; In silico analysis supports a deleterious effect on protein structure/function; Has not been previously published as pathogenic or benign to our knowledge